The following is an entry in ClinVar:

ClinVar aggregate classification (germline): Uncertain significance. Review status: criteria provided, multiple submitters, no conflicts (2 of 4 stars). 3 submissions from 3 submitters: Uncertain significance (3). Last evaluated 2025-02-28.

Conditions:
Inborn genetic diseases. Identifiers: MedGen C0950123, MeSH D030342.

Allele frequency attached by ClinVar (database versions not stated): gnomAD exomes 0.00001; ExAC 0.00002; gnomAD 0.00007 and 0.00009; ESP Exome Variant Server 0.00015; TOPMed 0.00009.

Submissions (3):

Ambry Genetics
Classification: Uncertain significance for Inborn genetic diseases. Last evaluated: 2025-02-28. Review status: criteria provided, single submitter. Criteria: Ambry Variant Classification Scheme 2023. Collection method: clinical testing. Allele origin: germline.

Labcorp Genetics (formerly Invitae), Labcorp
Classification: Uncertain significance. Last evaluated: 2024-10-26. Review status: criteria provided, single submitter. Criteria: Invitae Variant Classification Sherloc (09022015). Collection method: clinical testing. Allele origin: germline.
Comment: This sequence change replaces alanine, which is neutral and non-polar, with threonine, which is neutral and polar, at codon 527 of the ADAMTS18 protein (p.Ala527Thr). This variant is present in population databases (rs147066078, gnomAD 0.02%). This variant has not been reported in the literature in individuals affected with ADAMTS18-related conditions. ClinVar contains an entry for this variant (Variation ID: 1350534). An algorithm developed to predict the effect of missense changes on protein structure and function (PolyPhen-2) suggests that this variant is likely to be tolerated. In summary, the available evidence is currently insufficient to determine the role of this variant in disease. Therefore, it has been classified as a Variant of Uncertain Significance.

Breakthrough Genomics
Classification: Uncertain significance. Review status: criteria provided, single submitter. Criteria: ACMG Guidelines, 2015. Collection method: not provided. Allele origin: germline. Inheritance: Autosomal recessive inheritance. Affected: yes.

NM_199355.4(ADAMTS18):c.1579G>A (p.Ala527Thr)

Gene: ADAMTS18 (ADAM metallopeptidase with thrombospondin type 1 motif 18; minus strand). Cytogenetic location: 16q23.1.
Variant type: single nucleotide variant.
Coding change: c.1579G>A on transcript NM_199355.4 (MANE Select); coding-DNA position 1579, G replaced by A.
Protein change: p.Ala527Thr; replaces alanine 527 with threonine.
Molecular consequence: missense variant.
Genome position (GRCh38, 1-based): chr16:77,353,768, C>T on the plus strand (G>A on the coding strand, the complement: ADAMTS18 is on the minus strand). VCF-style: chr16-77353768-C-T. GRCh37 (hg19) VCF-style: chr16-77387665-C-T.
Other names: c.1063G>A, p.Ala355Thr (NM_001326358.2); c.1579G>A (NM_199355.2); short protein forms A527T, A355T.
Identifiers: ClinVar variation 1350534 (VCV001350534.10), dbSNP rs147066078, ClinGen allele CA8181269.